The following is an entry in ClinVar:

NM_001127671.2(LIFR):c.396_397+2del

Gene: LIFR (LIF receptor subunit alpha; minus strand). Cytogenetic location: 5p13.1.
Variant type: Deletion.
Coding change: c.396_397+2del on transcript NM_001127671.2 (MANE Select); coding-DNA position 396 through the canonical splice donor site of the intron after coding-DNA position 397, 4 bases deleted (TTGT; older notation c.396_397+2delTTGT).
Molecular consequence: splice donor variant.
Genome position (GRCh38, 1-based): chr5:38,527,153-38,527,156, ACAA deleted on the plus strand (TTGT on the coding strand, the reverse complement: LIFR is on the minus strand); deleting any 4 consecutive bases within chr5:38,527,153-38,527,158 gives the same sequence; the c. name uses the placement nearest the transcript's 3' end. VCF-style (leftmost placement, unchanged base first): chr5-38527152-TACAA-T. GRCh37 (hg19) VCF-style: chr5-38527254-TACAA-T.
Other names: c.396_397+2del (NM_002310.6, NM_001364298.2, NM_001364297.2).
Identifiers: ClinVar variation 2908023 (VCV002908023.4), dbSNP rs2531130676, ClinGen allele CA2578294566.

ClinVar aggregate classification (germline): Pathogenic/Likely pathogenic. Review status: criteria provided, multiple submitters, no conflicts (2 of 4 stars). 2 submissions from 2 submitters: Pathogenic (1); Likely pathogenic (1). Last evaluated 2024-02-29.

Conditions:
Stüve-Wiedemann syndrome 1. Also called: STUVE-WIEDEMANN/SCHWARTZ-JAMPEL TYPE 2 SYNDROME. Identifiers: Orphanet 3206, MedGen C5676888, MONDO:0800043, OMIM 601559.

Submissions (2):

Fulgent Genetics
Classification: Likely pathogenic for Stüve-Wiedemann syndrome 1. Last evaluated: 2024-02-29. Review status: criteria provided, single submitter. Criteria: ACMG Guidelines, 2015. Collection method: clinical testing. Allele origin: germline.

Labcorp Genetics (formerly Invitae), Labcorp
Classification: Pathogenic. Last evaluated: 2023-02-13. Review status: criteria provided, single submitter. Criteria: Invitae Variant Classification Sherloc (09022015). Collection method: clinical testing. Allele origin: germline.
Comment: This sequence change creates a premature translational stop signal ( p.Ser133Leufs*14) in the LIFR gene. It is expected to result in an absent or disrupted protein product. Loss-of-function variants in LIFR are known to be pathogenic (PMID: 14740318). This variant is not present in population databases (gnomAD no frequency). This variant has not been reported in the literature in individuals affected with LIFR-related conditions. This variant is also known as c.396_397+2del . Algorithms developed to predict the effect of sequence changes on RNA splicing suggest that this variant may disrupt the consensus splice site. For these reasons, this variant has been classified as Pathogenic.

Literature cited by the submitters: PubMed 14740318 (cited by Labcorp Genetics (formerly Invitae), Labcorp).